The following is an entry in ClinVar:

ClinVar aggregate classification (germline): Uncertain significance (1 of 4 stars; one submission).

gnomAD v4.1: 11 of 1,610,646 alleles (0.00068%); highest among the groups gnomAD compares: African/African-American, 0.012%; 1 homozygote.

Submission:

Mayo Clinic Laboratories, Mayo Clinic
Classification: Uncertain significance. Last evaluated: 2025-08-30. Review status: criteria provided, single submitter. Criteria: ACMG Guidelines, 2015. Collection method: clinical testing. Allele origin: germline. Observed: 1 variant allele.
Comment: PM2_supporting

NM_001201550.3(CFHR4):c.1731C>A (p.Cys577Ter)

Gene: CFHR4 (complement factor H related 4; plus strand). Cytogenetic location: 1q31.3.
Variant type: single nucleotide variant.
Coding change: c.1731C>A on transcript NM_001201550.3 (MANE Select); coding-DNA position 1731, C replaced by A.
Protein change: p.Cys577Ter; replaces cysteine 577 with a stop codon.
Molecular consequence: nonsense.
Genome position (GRCh38, 1-based): chr1:196,918,400, C>A. VCF-style: chr1-196918400-C-A. GRCh37 (hg19) VCF-style: chr1-196887530-C-A.
Other names: p.Cys576*; c.1728C>A, p.Cys576Ter (NM_001201551.2); c.990C>A, p.Cys330Ter (NM_006684.5); short protein forms C576*, C577*, C330*.
Identifiers: ClinVar variation 4542092 (VCV004542092.1).
Genomic context (GRCh38, chr1:196,918,400, plus strand): 5'-TACATCAGTTCTATCATTTCAAGCAGTGTGTAGGGAAGGCATAGTGGAATACCCCAGATG[C>A]GAATAAGGCAGCATTGTTACCCTAAATGTATGTCCAACTTCCACTTCTCACTCTTATGGT-3'